The following is an entry in ClinVar:

ClinVar aggregate classification (germline): Uncertain significance (1 of 4 stars; one submission).

Conditions:
Primary familial polycythemia due to EPO receptor mutation. Also called: Erythrocytosis, familial, 1; ERYTHROCYTOSIS, SOMATIC; POLYCYTHEMIA, PRIMARY FAMILIAL AND CONGENITAL; Primary Familial Congenital Polycythemia. Identifiers: Orphanet 90042, MedGen C4551637, MONDO:0007572, OMIM 133100.

Submission:

Juno Genomics, Hangzhou Juno Genomics, Inc
Classification: Uncertain significance for Primary familial polycythemia due to EPO receptor mutation. Review status: criteria provided, single submitter. Criteria: ACMG Guidelines, 2015. Collection method: clinical testing. Allele origin: germline.
Comment: Absent from controls (or at extremely low frequency if recessive) in Genome Aggregation Database.

NM_000121.4(EPOR):c.1015T>G (p.Trp339Gly)

Gene: EPOR (erythropoietin receptor; minus strand). Cytogenetic location: 19p13.2.
Variant type: single nucleotide variant.
Coding change: c.1015T>G on transcript NM_000121.4 (MANE Select); coding-DNA position 1015, T replaced by G.
Protein change: p.Trp339Gly; replaces tryptophan 339 with glycine.
Molecular consequence: missense variant. On other transcripts: non-coding transcript variant (1).
Genome position (GRCh38, 1-based): chr19:11,378,496, A>C on the plus strand (T>G on the coding strand, the complement: EPOR is on the minus strand). VCF-style: chr19-11378496-A-C. GRCh37 (hg19) VCF-style: chr19-11489172-A-C.
Other names: short protein forms W339G.
Identifiers: ClinVar variation 5005922 (VCV005005922.2).